The following is an entry in ClinVar:

NM_014629.4(ARHGEF10):c.2241C>G (p.Asn747Lys)

Genes: ARHGEF10 (Rho guanine nucleotide exchange factor 10; plus strand), LOC126860281 (CDK7 strongly-dependent group 2 enhancer GRCh37_chr8:1870370-1871569; plus strand). Cytogenetic location: 8p23.3.
Variant type: single nucleotide variant.
Coding change: c.2241C>G on transcript NM_014629.4 (MANE Select); coding-DNA position 2241, C replaced by G.
Protein change: p.Asn747Lys; replaces asparagine 747 with lysine.
Molecular consequence: missense variant.
Genome position (GRCh38, 1-based): chr8:1,923,061, C>G. VCF-style: chr8-1923061-C-G. GRCh37 (hg19) VCF-style: chr8-1871227-C-G.
Other names: c.2127C>G, p.Asn709Lys (NM_001308152.2); c.2241C>G, p.Asn747Lys (NM_001308153.3); short protein forms N709K, N771K, N747K.
Identifiers: ClinVar variation 1374868 (VCV001374868.9), dbSNP rs374906068, ClinGen allele CA4600793.

ClinVar aggregate classification (germline): Conflicting classifications of pathogenicity. Review status: criteria provided, conflicting classifications (1 of 4 stars). 3 submissions from 3 submitters: Uncertain significance (2); Likely benign (1). Last evaluated 2026-05-01.

Allele frequency attached by ClinVar (database versions not stated): TOPMed below 0.00001; ESP Exome Variant Server 0.00008.
gnomAD v4.1: 28 of 1,610,138 alleles (0.0017%); highest among the groups gnomAD compares: Non-Finnish European, 0.0023%; no homozygotes.

Submissions (3):

CeGaT Center for Human Genetics Tuebingen
Classification: Likely benign. Last evaluated: 2026-05-01. Review status: criteria provided, single submitter. Criteria: CeGaT Center For Human Genetics Tuebingen Variant Classification Criteria Version 2. Collection method: clinical testing. Allele origin: germline. Affected: yes. Observed: 1 variant allele.
Comment: ARHGEF10: BP4

Ambry Genetics
Classification: Uncertain significance. Last evaluated: 2025-02-26. Review status: criteria provided, single submitter. Criteria: Ambry Variant Classification Scheme 2023. Collection method: clinical testing. Allele origin: germline.

Labcorp Genetics (formerly Invitae), Labcorp
Classification: Uncertain significance. Last evaluated: 2024-12-17. Review status: criteria provided, single submitter. Criteria: Invitae Variant Classification Sherloc (09022015). Collection method: clinical testing. Allele origin: germline.
Comment: This sequence change replaces asparagine, which is neutral and polar, with lysine, which is basic and polar, at codon 747 of the ARHGEF10 protein (p.Asn747Lys). This variant is present in population databases (rs374906068, gnomAD 0.002%). This variant has not been reported in the literature in individuals affected with ARHGEF10-related conditions. ClinVar contains an entry for this variant (Variation ID: 1374868). Invitae Evidence Modeling of protein sequence and biophysical properties (such as structural, functional, and spatial information, amino acid conservation, physicochemical variation, residue mobility, and thermodynamic stability) indicates that this missense variant is not expected to disrupt ARHGEF10 protein function with a negative predictive value of 80%. In summary, the available evidence is currently insufficient to determine the role of this variant in disease. Therefore, it has been classified as a Variant of Uncertain Significance.